The following is an entry in ClinVar:

ClinVar aggregate classification (germline): Benign/Likely benign. Review status: criteria provided, multiple submitters, no conflicts (2 of 4 stars). 2 submissions from 2 submitters: Benign (1); Likely benign (1). Last evaluated 2024-10-30.

Conditions:
Cardiovascular phenotype. Identifiers: MedGen CN230736.

Allele frequency attached by ClinVar (database versions not stated): gnomAD 0.00001; TOPMed 0.00002; gnomAD exomes 0.00004 and 0.00005; ExAC 0.00011.
gnomAD v4.1: 59 of 1,593,740 alleles (0.0037%); highest among the groups gnomAD compares: Middle Eastern, 0.083%; 2 homozygotes.

Submissions (2):

Ambry Genetics
Classification: Benign for Cardiovascular phenotype. Last evaluated: 2024-10-30. Review status: criteria provided, single submitter. Criteria: Ambry Variant Classification Scheme 2023. Collection method: clinical testing. Allele origin: germline.

GeneDx
Classification: Likely benign. Last evaluated: 2021-06-22. Review status: criteria provided, single submitter. Criteria: GeneDx Variant Classification Process June 2021. Collection method: clinical testing. Allele origin: germline. Affected: yes.
Comment: This variant is associated with the following publications: (PMID: 26582918, 27535533)

Literature cited by the submitters: PubMed 34999275 (cited by Ambry Genetics).

NM_000719.7(CACNA1C):c.-3T>C

Gene: CACNA1C (calcium voltage-gated channel subunit alpha1 C; plus strand). Cytogenetic location: 12p13.33.
Variant type: single nucleotide variant.
Coding change: c.-3T>C on transcript NM_000719.7 (MANE Select); 3 bases upstream of the start codon, T replaced by C.
Molecular consequence: 5 prime UTR variant.
Genome position (GRCh38, 1-based): chr12:2,053,560, T>C. VCF-style: chr12-2053560-T-C. GRCh37 (hg19) VCF-style: chr12-2162726-T-C.
Other names: c.-3T>C (NM_001129836.2, NM_001129837.2, NM_001129838.2 and 19 more transcripts).
Identifiers: ClinVar variation 872566 (VCV000872566.16), dbSNP rs761790520, ClinGen allele CA6388349.